The following is an entry in ClinVar:

NM_006445.4(PRPF8):c.4083A>C (p.Glu1361Asp)

Gene: PRPF8 (pre-mRNA processing factor 8; minus strand). Cytogenetic location: 17p13.3.
Variant type: single nucleotide variant.
Coding change: c.4083A>C on transcript NM_006445.4 (MANE Select); coding-DNA position 4083, A replaced by C.
Protein change: p.Glu1361Asp; replaces glutamic acid 1361 with aspartic acid.
Molecular consequence: missense variant.
Genome position (GRCh38, 1-based): chr17:1,661,730, T>G on the plus strand (A>C on the coding strand, the complement: PRPF8 is on the minus strand). VCF-style: chr17-1661730-T-G. GRCh37 (hg19) VCF-style: chr17-1565024-T-G.
Other names: short protein forms E1361D.
Identifiers: ClinVar variation 838420 (VCV000838420.7), dbSNP rs773400326, ClinGen allele CA8271730.

ClinVar aggregate classification (germline): Uncertain significance (1 of 4 stars; one submission).

Allele frequency attached by ClinVar (database versions not stated): ExAC 0.00001; gnomAD exomes 0.00001.
gnomAD v4.1: 8 of 1,614,252 alleles (0.0005%); highest among the groups gnomAD compares: East Asian, 0.0089%; no homozygotes.

Submission:

Labcorp Genetics (formerly Invitae), Labcorp
Classification: Uncertain significance. Last evaluated: 2022-12-02. Review status: criteria provided, single submitter. Criteria: Invitae Variant Classification Sherloc (09022015). Collection method: clinical testing. Allele origin: germline.
Comment: ClinVar contains an entry for this variant (Variation ID: 838420). This variant has not been reported in the literature in individuals affected with PRPF8-related conditions. This variant is not present in population databases (gnomAD no frequency). This sequence change replaces glutamic acid, which is acidic and polar, with aspartic acid, which is acidic and polar, at codon 1361 of the PRPF8 protein (p.Glu1361Asp). Advanced modeling of protein sequence and biophysical properties (such as structural, functional, and spatial information, amino acid conservation, physicochemical variation, residue mobility, and thermodynamic stability) performed at Invitae indicates that this missense variant is not expected to disrupt PRPF8 protein function. In summary, the available evidence is currently insufficient to determine the role of this variant in disease. Therefore, it has been classified as a Variant of Uncertain Significance.